The following is an entry in ClinVar:

ClinVar aggregate classification (germline): Uncertain significance (1 of 4 stars; one submission).

Conditions:
Catecholaminergic polymorphic ventricular tachycardia 1. Also called: VENTRICULAR TACHYCARDIA, STRESS-INDUCED POLYMORPHIC 1; VENTRICULAR TACHYCARDIA, CATECHOLAMINERGIC POLYMORPHIC, 1, WITH OR WITHOUT ATRIAL DYSFUNCTION AND/OR DILATED CARDIOMYOPATHY; RYR2-Related Catecholaminergic Polymorphic Ventricular Tachycardia. Identifiers: Orphanet 3286, MedGen C1631597, MONDO:0011484, OMIM 604772.

Allele frequency attached by ClinVar (database versions not stated): gnomAD exomes below 0.00001.
gnomAD v4.1: 1 of 1,607,012 alleles (0.000062%); highest among the groups gnomAD compares: Non-Finnish European, 0.000085%; no homozygotes.

Submission:

Labcorp Genetics (formerly Invitae), Labcorp
Classification: Uncertain significance for Catecholaminergic polymorphic ventricular tachycardia 1. Last evaluated: 2022-08-17. Review status: criteria provided, single submitter. Criteria: Invitae Variant Classification Sherloc (09022015). Collection method: clinical testing. Allele origin: germline.
Comment: In summary, the available evidence is currently insufficient to determine the role of this variant in disease. Therefore, it has been classified as a Variant of Uncertain Significance. Algorithms developed to predict the effect of missense changes on protein structure and function are either unavailable or do not agree on the potential impact of this missense change (SIFT: "Deleterious"; PolyPhen-2: "Benign"; Align-GVGD: "Class C0"). This variant has not been reported in the literature in individuals affected with RYR2-related conditions. This variant is not present in population databases (gnomAD no frequency). This sequence change replaces methionine, which is neutral and non-polar, with isoleucine, which is neutral and non-polar, at codon 4334 of the RYR2 protein (p.Met4334Ile).

NM_001035.3(RYR2):c.13002G>A (p.Met4334Ile)

Genes: RYR2 (ryanodine receptor 2; plus strand), LOC126806068 (BRD4-independent group 4 enhancer GRCh37_chr1:237947411-237948610; plus strand). Cytogenetic location: 1q43.
Variant type: single nucleotide variant.
Coding change: c.13002G>A on transcript NM_001035.3 (MANE Select); coding-DNA position 13002, G replaced by A.
Protein change: p.Met4334Ile; replaces methionine 4334 with isoleucine.
Molecular consequence: missense variant.
Genome position (GRCh38, 1-based): chr1:237,784,714, G>A. VCF-style: chr1-237784714-G-A. GRCh37 (hg19) VCF-style: chr1-237948014-G-A.
Other names: short protein forms M4334I.
Identifiers: ClinVar variation 2174409 (VCV002174409.4), dbSNP rs2527796979, ClinGen allele CA345414987.